The following is an entry in ClinVar:

NM_003442.6(ZNF143):c.272T>C (p.Val91Ala)

Gene: ZNF143 (zinc finger protein 143; plus strand). Cytogenetic location: 11p15.4.
Variant type: single nucleotide variant.
Coding change: c.272T>C on transcript NM_003442.6 (MANE Select); coding-DNA position 272, T replaced by C.
Protein change: p.Val91Ala; replaces valine 91 with alanine.
Molecular consequence: missense variant.
Genome position (GRCh38, 1-based): chr11:9,474,007, T>C. VCF-style: chr11-9474007-T-C. GRCh37 (hg19) VCF-style: chr11-9495554-T-C.
Other names: c.272T>C, p.Val91Ala (NM_001282656.2); c.179T>C, p.Val60Ala (NM_001282657.2); short protein forms V60A, V91A.
Identifiers: ClinVar variation 2903249 (VCV002903249.3), dbSNP rs2494500800, ClinGen allele CA379621135.

ClinVar aggregate classification (germline): Uncertain significance (1 of 4 stars; one submission).

Submission:

Labcorp Genetics (formerly Invitae), Labcorp
Classification: Uncertain significance. Last evaluated: 2022-10-25. Review status: criteria provided, single submitter. Criteria: Invitae Variant Classification Sherloc (09022015). Collection method: clinical testing. Allele origin: germline.
Comment: This sequence change replaces valine, which is neutral and non-polar, with alanine, which is neutral and non-polar, at codon 91 of the ZNF143 protein (p.Val91Ala). This variant is not present in population databases (gnomAD no frequency). In summary, the available evidence is currently insufficient to determine the role of this variant in disease. Therefore, it has been classified as a Variant of Uncertain Significance. Algorithms developed to predict the effect of missense changes on protein structure and function are either unavailable or do not agree on the potential impact of this missense change (SIFT: "Deleterious"; PolyPhen-2: "Benign"; Align-GVGD: "Class C25"). This variant has not been reported in the literature in individuals affected with ZNF143-related conditions.